The following is an entry in ClinVar:

ClinVar aggregate classification (germline): Uncertain significance (1 of 4 stars; one submission).

Allele frequency attached by ClinVar (database versions not stated): gnomAD exomes below 0.00001.
gnomAD v4.1: 7 of 1,614,116 alleles (0.00043%); highest among the groups gnomAD compares: Non-Finnish European, 0.00059%; no homozygotes.

Submission:

Labcorp Genetics (formerly Invitae), Labcorp
Classification: Uncertain significance. Last evaluated: 2025-01-06. Review status: criteria provided, single submitter. Criteria: Invitae Variant Classification Sherloc (09022015). Collection method: clinical testing. Allele origin: germline.
Comment: This sequence change replaces threonine, which is neutral and polar, with alanine, which is neutral and non-polar, at codon 444 of the CDK13 protein (p.Thr444Ala). This variant is not present in population databases (gnomAD no frequency). This variant has not been reported in the literature in individuals affected with CDK13-related conditions. ClinVar contains an entry for this variant (Variation ID: 2797519). Invitae Evidence Modeling of protein sequence and biophysical properties (such as structural, functional, and spatial information, amino acid conservation, physicochemical variation, residue mobility, and thermodynamic stability) has been performed for this missense variant. However, the output from this modeling did not meet the statistical confidence thresholds required to predict the impact of this variant on CDK13 protein function. In summary, the available evidence is currently insufficient to determine the role of this variant in disease. Therefore, it has been classified as a Variant of Uncertain Significance.

NM_003718.5(CDK13):c.1330A>G (p.Thr444Ala)

Gene: CDK13 (cyclin dependent kinase 13; plus strand). Cytogenetic location: 7p14.1.
Variant type: single nucleotide variant.
Coding change: c.1330A>G on transcript NM_003718.5 (MANE Select); coding-DNA position 1330, A replaced by G.
Protein change: p.Thr444Ala; replaces threonine 444 with alanine.
Molecular consequence: missense variant.
Genome position (GRCh38, 1-based): chr7:39,987,717, A>G. VCF-style: chr7-39987717-A-G. GRCh37 (hg19) VCF-style: chr7-40027316-A-G.
Other names: c.1330A>G, p.Thr444Ala (NM_031267.4); short protein forms T444A.
Identifiers: ClinVar variation 2797519 (VCV002797519.3), dbSNP rs2483752580, ClinGen allele CA367282046.